The following is an entry in ClinVar:

ClinVar aggregate classification (germline): Pathogenic (1 of 4 stars; one submission).

Conditions:
Joubert syndrome. Also called: CEREBELLOPARENCHYMAL DISORDER IV; JOUBERT-BOLTSHAUSER SYNDROME; Familial aplasia of the vermis. Identifiers: Orphanet 475, MedGen C5979921, MONDO:0018772.
Nephronophthisis. Also called: Juvenile Nephronophthisis. Identifiers: Orphanet 655, MedGen C0687120, MONDO:0019005, HP:0000090.
Meckel-Gruber syndrome. Also called: DYSENCEPHALIA SPLANCHNOCYSTICA; GRUBER SYNDROME; Dysencephalia splachnocystica. Identifiers: Orphanet 564, MedGen C0265215, MONDO:0018921.

Submission:

Labcorp Genetics (formerly Invitae), Labcorp
Classification: Pathogenic for Joubert syndrome; Meckel-Gruber syndrome; Nephronophthisis. Last evaluated: 2023-08-05. Review status: criteria provided, single submitter. Criteria: Invitae Variant Classification Sherloc (09022015). Collection method: clinical testing. Allele origin: germline.
Comment: For these reasons, this variant has been classified as Pathogenic. This sequence change creates a premature translational stop signal (p.Ala1215Leufs*21) in the CEP290 gene. It is expected to result in an absent or disrupted protein product. Loss-of-function variants in CEP290 are known to be pathogenic (PMID: 16909394, 17345604, 20690115). This variant is not present in population databases (gnomAD no frequency). This variant has not been reported in the literature in individuals affected with CEP290-related conditions.

Literature cited by the submitters: PubMed 16909394; PubMed 17345604; PubMed 20690115.

NM_025114.4(CEP290):c.3643_3652del (p.Ala1215fs)

Gene: CEP290 (centrosomal protein 290; minus strand). Cytogenetic location: 12q21.32.
Variant type: Deletion.
Coding change: c.3643_3652del on transcript NM_025114.4 (MANE Select); coding-DNA positions 3643 to 3652, 10 bases deleted (GCTACTGCTC; older notation c.3643_3652delGCTACTGCTC).
Protein change: p.Ala1215fs; shifts the reading frame from alanine 1215.
Molecular consequence: frameshift variant.
Genome position (GRCh38, 1-based): chr12:88,089,409-88,089,418, GAGCAGTAGC deleted on the plus strand (GCTACTGCTC on the coding strand, the reverse complement: CEP290 is on the minus strand). VCF-style (leftmost placement, unchanged base first): chr12-88089408-AGAGCAGTAGC-A. GRCh37 (hg19) VCF-style: chr12-88483185-AGAGCAGTAGC-A.
Other names: short protein forms A1215fs.
Identifiers: ClinVar variation 2950720 (VCV002950720.3), dbSNP rs2500117363, ClinGen allele CA2740092489.
Genomic context (GRCh38, chr12:88,089,408, plus strand): 5'-AAGCGCAAGTTGTAGGCCTCCATCTTCTGCAGTTTAGATGTAATTGACTCCAACTTACCA[AGAGCAGTAGC>A]CTCACTCAGTTGAAGAGAGACATTATGTTGGTGCAACTTGGCAATGAGCGACTTTTCATC-3'